The following is an entry in ClinVar:

NM_003086.4(SNAPC4):c.2318-8G>T

Gene: SNAPC4 (small nuclear RNA activating complex polypeptide 4; minus strand). Cytogenetic location: 9q34.3.
Variant type: single nucleotide variant.
Coding change: c.2318-8G>T on transcript NM_003086.4 (MANE Select); 8 bases into the intron before coding-DNA position 2318, G replaced by T.
Molecular consequence: intron variant.
Genome position (GRCh38, 1-based): chr9:136,381,400, C>A on the plus strand (G>T on the coding strand, the complement: SNAPC4 is on the minus strand). VCF-style: chr9-136381400-C-A. GRCh37 (hg19) VCF-style: chr9-139275852-C-A.
Other names: c.2234-8G>T (NM_001394203.1, NM_001394202.1); c.2318-8G>T (NM_001394201.1).
Identifiers: ClinVar variation 3389054 (VCV003389054.14).

ClinVar aggregate classification (germline): Uncertain significance (1 of 4 stars; one submission).

Submission:

CeGaT Center for Human Genetics Tuebingen
Classification: Uncertain significance. Last evaluated: 2024-09-01. Review status: criteria provided, single submitter. Criteria: CeGaT Center For Human Genetics Tuebingen Variant Classification Criteria Version 2. Collection method: clinical testing. Allele origin: germline. Affected: yes. Observed: 1 variant allele.
Comment: SNAPC4: PM2, BP4